The following is an entry in ClinVar:

NM_006297.3(XRCC1):c.1015C>T (p.Arg339Ter)

Gene: XRCC1 (X-ray repair cross complementing 1; minus strand). Cytogenetic location: 19q13.31.
Variant type: single nucleotide variant.
Coding change: c.1015C>T on transcript NM_006297.3 (MANE Select); coding-DNA position 1015, C replaced by T.
Protein change: p.Arg339Ter; replaces arginine 339 with a stop codon.
Molecular consequence: nonsense.
Genome position (GRCh38, 1-based): chr19:43,552,084, G>A on the plus strand (C>T on the coding strand, the complement: XRCC1 is on the minus strand). VCF-style: chr19-43552084-G-A. GRCh37 (hg19) VCF-style: chr19-44056236-G-A.
Other names: NC_000019.9:g.44056236G>A; short protein forms R339*.
Identifiers: ClinVar variation 2573207 (VCV002573207.2), dbSNP rs574450911, ClinGen allele CA9488595.

ClinVar aggregate classification (germline): Likely pathogenic (1 of 4 stars; one submission).

Conditions:
Spinocerebellar ataxia, autosomal recessive 26. Identifiers: MedGen C4539948, MONDO:0033116, OMIM 617633.

Allele frequency attached by ClinVar (database versions not stated): ExAC 0.00001.
gnomAD v4.1: 50 of 1,614,068 alleles (0.0031%); highest among the groups gnomAD compares: South Asian, 0.015%; no homozygotes.

Submissions (2):

Diagnostics Services (NGS), CSIR - Centre For Cellular And Molecular Biology
Classification: Likely pathogenic for Spinocerebellar ataxia, autosomal recessive 26. Last evaluated: 2023-07-20. Review status: criteria provided, single submitter. Criteria: ACMG Guidelines, 2015. Collection method: clinical testing. Allele origin: unknown. Affected: no. Observed: 2 variant alleles, 1 heterozygote.
Comment: The c.1015C>T variant is not present in 1000 Genome, EVS, Indian Exome Database or our in-house exome database. The variant is present in ExAC and gnomAD at low frequencies. This variant has neither been published in literature for XRCC1-related conditions nor reported to any clinical databases, in any affected individuals. In silico pathogenicity prediction programs like MutationTaster2, CADD, Varsome, Franklin etc predicted this variant to be likely deleterious. This variant creates a premature translational stop signal at the 339th amino acid position of the wild-type transcript that may either result in translation of a truncated protein or cause nonsense mediated decay of the mRNA. This variant has been identified as a part of an extended carrier screening in a couple.

Dr. Peter K. Rogan Lab, Western University
No classification provided (evidence only). Condition: Malignant tumor of esophagus. Review status: no classification provided. Collection method: in vitro. Allele origin: not applicable. Functional consequence: retained intron. Not counted in ClinVar's aggregate classification.